The following is an entry in ClinVar:

NM_001267550.2(TTN):c.92496C>T (p.Asp30832=)

Genes: TTN (titin; minus strand), TTN-AS1 (TTN antisense RNA 1; plus strand). Cytogenetic location: 2q31.2.
Variant type: single nucleotide variant.
Coding change: c.92496C>T on transcript NM_001267550.2 (MANE Select); coding-DNA position 92496, C replaced by T.
Protein change: p.Asp30832=; no amino-acid change (aspartic acid 30832 retained).
Molecular consequence: synonymous variant.
Genome position (GRCh38, 1-based): chr2:178,549,130, G>A on the plus strand (C>T on the coding strand, the complement: TTN is on the minus strand). VCF-style: chr2-178549130-G-A. GRCh37 (hg19) VCF-style: chr2-179413857-G-A.
Other names: c.87573C>T, p.Asp29191= (NM_001256850.1); c.65301C>T, p.Asp21767= (NM_003319.4); c.84792C>T, p.Asp28264= (NM_133378.4); c.65676C>T, p.Asp21892= (NM_133432.3); c.65877C>T, p.Asp21959= (NM_133437.4).
Identifiers: ClinVar variation 1100992 (VCV001100992.19), dbSNP rs766124375, ClinGen allele CA1987437.

ClinVar aggregate classification (germline): Likely benign. Review status: criteria provided, multiple submitters, no conflicts (2 of 4 stars). 3 submissions from 3 submitters: Likely benign (3). Last evaluated 2026-01-26.

Conditions:
Autosomal recessive limb-girdle muscular dystrophy type 2J (LGMDR10). Also called: Limb-girdle muscular dystrophy, type 2J; MUSCULAR DYSTROPHY, LIMB-GIRDLE, AUTOSOMAL RECESSIVE 10. Identifiers: Orphanet 140922, MedGen C1837342, MONDO:0012127, OMIM 608807.
Dilated cardiomyopathy 1G (CMD1G). Identifiers: Orphanet 154, MedGen C1858763, MONDO:0011400, OMIM 604145.
Cardiovascular phenotype. Identifiers: MedGen CN230736.

Allele frequency attached by ClinVar (database versions not stated): gnomAD exomes 0.00001 and 0.00004; ExAC 0.00002; gnomAD 0.00003 and 0.00004; TOPMed 0.00006.
gnomAD v4.1: 20 of 1,613,724 alleles (0.0012%); highest among the groups gnomAD compares: Middle Eastern, 0.033%; no homozygotes.

Submissions (3):

Labcorp Genetics (formerly Invitae), Labcorp
Classification: Likely benign for Dilated cardiomyopathy 1G; Autosomal recessive limb-girdle muscular dystrophy type 2J. Last evaluated: 2026-01-26. Review status: criteria provided, single submitter. Criteria: Invitae Variant Classification Sherloc (09022015). Collection method: clinical testing. Allele origin: germline.

CeGaT Center for Human Genetics Tuebingen
Classification: Likely benign. Last evaluated: 2025-07-01. Review status: criteria provided, single submitter. Criteria: CeGaT Center For Human Genetics Tuebingen Variant Classification Criteria Version 2. Collection method: clinical testing. Allele origin: germline. Affected: yes. Observed: 1 variant allele.
Comment: TTN: BP4, BP7

Ambry Genetics
Classification: Likely benign for Cardiovascular phenotype. Last evaluated: 2019-10-21. Review status: criteria provided, single submitter. Criteria: Ambry Variant Classification Scheme 2023. Collection method: clinical testing. Allele origin: germline.